The following is an entry in ClinVar:

NM_006509.4(RELB):c.1244T>C (p.Met415Thr)

Gene: RELB (RELB proto-oncogene, NF-kB subunit; plus strand). Cytogenetic location: 19q13.32.
Variant type: single nucleotide variant.
Coding change: c.1244T>C on transcript NM_006509.4 (MANE Select); coding-DNA position 1244, T replaced by C.
Protein change: p.Met415Thr; replaces methionine 415 with threonine.
Molecular consequence: missense variant.
Genome position (GRCh38, 1-based): chr19:45,034,280, T>C. VCF-style: chr19-45034280-T-C. GRCh37 (hg19) VCF-style: chr19-45537538-T-C.
Other names: short protein forms M415T.
Identifiers: ClinVar variation 1519779 (VCV001519779.6), dbSNP rs767575028, ClinGen allele CA406306851.

ClinVar aggregate classification (germline): Uncertain significance (1 of 4 stars; one submission).

Submission:

Labcorp Genetics (formerly Invitae), Labcorp
Classification: Uncertain significance. Last evaluated: 2021-09-17. Review status: criteria provided, single submitter. Criteria: Invitae Variant Classification Sherloc (09022015). Collection method: clinical testing. Allele origin: germline.
Comment: This sequence change replaces methionine with threonine at codon 415 of the RELB protein (p.Met415Thr). The methionine residue is highly conserved and there is a moderate physicochemical difference between methionine and threonine. This variant is not present in population databases (ExAC no frequency). This variant has not been reported in the literature in individuals affected with RELB-related conditions. Algorithms developed to predict the effect of missense changes on protein structure and function (SIFT, PolyPhen-2, Align-GVGD) all suggest that this variant is likely to be tolerated. In summary, the available evidence is currently insufficient to determine the role of this variant in disease. Therefore, it has been classified as a Variant of Uncertain Significance.